The following is an entry in ClinVar:

ClinVar aggregate classification (germline): Uncertain significance (1 of 4 stars; one submission).

Submission:

GeneDx
Classification: Uncertain significance. Last evaluated: 2023-01-03. Review status: criteria provided, single submitter. Criteria: GeneDx Variant Classification Process June 2021. Collection method: clinical testing. Allele origin: germline. Affected: yes.
Comment: Not observed at significant frequency in large population cohorts (gnomAD); In-frame duplication of 1 amino acid in a non-repeat region; Has not been previously published as pathogenic or benign to our knowledge

NM_018896.5(CACNA1G):c.3196_3198dup (p.Ser1066_Arg1067insSer)

Gene: CACNA1G (calcium voltage-gated channel subunit alpha1 G; plus strand). Cytogenetic location: 17q21.33.
Variant type: Duplication.
Coding change: c.3196_3198dup on transcript NM_018896.5 (MANE Select); coding-DNA positions 3196 to 3198, 3 bases duplicated (TCG; older notation c.3196_3198dupTCG).
Protein change: p.Ser1066_Arg1067insSer.
Molecular consequence: inframe insertion. On other transcripts: non-coding transcript variant (5).
Genome position (GRCh38, 1-based): chr17:50,596,861-50,596,863, TCG duplicated; duplicating any 3 consecutive bases within chr17:50,596,859-50,596,863 gives the same sequence; the c. name uses the placement nearest the transcript's 3' end. VCF-style (leftmost placement, unchanged base first): chr17-50596858-G-GCGT. GRCh37 (hg19) VCF-style: chr17-48674219-G-GCGT.
Other names: c.3196_3198dup, p.Ser1066_Arg1067insSer (NM_001256324.2, NM_001256325.2, NM_001256326.2 and 16 more transcripts); c.3127_3129dup, p.Ser1043_Arg1044insSer (NM_001256332.2, NM_198376.3, NM_198379.3 and 5 more transcripts).
Identifiers: ClinVar variation 2507127 (VCV002507127.1), dbSNP rs2545363793, ClinGen allele CA2580613160.